The following is an entry in ClinVar:

NM_004646.4(NPHS1):c.1394G>A (p.Cys465Tyr)

Gene: NPHS1 (NPHS1 adhesion molecule, nephrin; minus strand). Cytogenetic location: 19q13.12.
Variant type: single nucleotide variant.
Coding change: c.1394G>A on transcript NM_004646.4 (MANE Select); coding-DNA position 1394, G replaced by A.
Protein change: p.Cys465Tyr; replaces cysteine 465 with tyrosine.
Molecular consequence: missense variant.
Genome position (GRCh38, 1-based): chr19:35,848,087, C>T on the plus strand (G>A on the coding strand, the complement: NPHS1 is on the minus strand). VCF-style: chr19-35848087-C-T. GRCh37 (hg19) VCF-style: chr19-36338989-C-T.
Other names: short protein forms C465Y.
Identifiers: ClinVar variation 56439 (VCV000056439.3), dbSNP rs386833881, ClinGen allele CA250121.

ClinVar aggregate classification (germline): Pathogenic. Review status: criteria provided, single submitter (1 of 4 stars). 2 submissions from 2 submitters: Pathogenic (1). 1 of the submissions does not count toward it. Last evaluated 2023-08-28.

Conditions:
Finnish congenital nephrotic syndrome (NPHS1). Also called: NEPHROTIC SYNDROME, TYPE 1. Identifiers: Orphanet 839, MedGen C0403399, MONDO:0009732, OMIM 256300.

Submissions (2):

Baylor Genetics
Classification: Pathogenic for Finnish congenital nephrotic syndrome. Last evaluated: 2023-08-28. Review status: criteria provided, single submitter. Criteria: ACMG Guidelines, 2015. Collection method: clinical testing. Allele origin: unknown.

Juha Muilu Group; Institute for Molecular Medicine Finland (FIMM)
Classification: Likely pathogenic for Finnish congenital nephrotic syndrome. Review status: no assertion criteria provided. Collection method: not provided. Allele origin: unknown. Not counted in ClinVar's aggregate classification.
Comment: FinDis database variant: This variant was not found or characterized by our laboratory, data were collected from public sources: see reference
ClinVar note: Converted during submission from probable-pathogenic to Likely pathogenic.